The following is an entry in ClinVar:

NM_002661.5(PLCG2):c.2231A>G (p.Asn744Ser)

Gene: PLCG2 (phospholipase C gamma 2; plus strand). Cytogenetic location: 16q23.3.
Variant type: single nucleotide variant.
Coding change: c.2231A>G on transcript NM_002661.5 (MANE Select); coding-DNA position 2231, A replaced by G.
Protein change: p.Asn744Ser; replaces asparagine 744 with serine.
Molecular consequence: missense variant.
Genome position (GRCh38, 1-based): chr16:81,919,660, A>G. VCF-style: chr16-81919660-A-G. GRCh37 (hg19) VCF-style: chr16-81953265-A-G.
Other names: c.2231A>G (NM_002661.4); short protein forms N744S.
Identifiers: ClinVar variation 1044331 (VCV001044331.9), dbSNP rs762848692, ClinGen allele CA8194126.

ClinVar aggregate classification (germline): Uncertain significance. Review status: criteria provided, multiple submitters, no conflicts (2 of 4 stars). 2 submissions from 2 submitters: Uncertain significance (2). Last evaluated 2025-04-02.

Conditions:
PLCG2-related disorder. Also called: PLCG2-related condition.
Familial cold autoinflammatory syndrome 3 (FCAS3). Also called: FAMILIAL ATYPICAL COLD URTICARIA; ANTIBODY DEFICIENCY AND IMMUNE DYSREGULATION, PLCG2-ASSOCIATED. Identifiers: Orphanet 300359, MedGen C3280914, MONDO:0013766, OMIM 614468.

Allele frequency attached by ClinVar (database versions not stated): ExAC 0.00002; gnomAD 0.00002; gnomAD exomes 0.00003 and 0.00004; TOPMed 0.00003.
gnomAD v4.1: 62 of 1,612,264 alleles (0.0038%); highest among the groups gnomAD compares: South Asian, 0.0044%; no homozygotes.

Submissions (2):

PreventionGenetics, part of Exact Sciences
Classification: Uncertain significance for PLCG2-related condition. Last evaluated: 2025-04-02. Review status: criteria provided, single submitter. Criteria: ACMG Guidelines, 2015. Collection method: clinical testing. Allele origin: germline.
Comment: The PLCG2 c.2231A>G variant is predicted to result in the amino acid substitution p.Asn744Ser. To our knowledge, this variant has not been reported in the literature. This variant is reported in 0.0098% of alleles in individuals of South Asian descent in gnomAD. At this time, the clinical significance of this variant is uncertain due to the absence of conclusive functional and genetic evidence.

Labcorp Genetics (formerly Invitae), Labcorp
Classification: Uncertain significance for Familial cold autoinflammatory syndrome 3. Last evaluated: 2024-07-19. Review status: criteria provided, single submitter. Criteria: Invitae Variant Classification Sherloc (09022015). Collection method: clinical testing. Allele origin: germline.
Comment: This sequence change replaces asparagine, which is neutral and polar, with serine, which is neutral and polar, at codon 744 of the PLCG2 protein (p.Asn744Ser). This variant is present in population databases (rs762848692, gnomAD 0.01%). This variant has not been reported in the literature in individuals affected with PLCG2-related conditions. ClinVar contains an entry for this variant (Variation ID: 1044331). An algorithm developed to predict the effect of missense changes on protein structure and function outputs the following: PolyPhen-2: "Benign". The serine amino acid residue is found in multiple mammalian species, which suggests that this missense change does not adversely affect protein function. In summary, the available evidence is currently insufficient to determine the role of this variant in disease. Therefore, it has been classified as a Variant of Uncertain Significance.